The following is an entry in ClinVar:

ClinVar aggregate classification (germline): Benign/Likely benign. Review status: criteria provided, multiple submitters, no conflicts (2 of 4 stars). 6 submissions from 6 submitters: Benign (2); Likely benign (3). 1 of the submissions does not count toward it. Last evaluated 2026-05-01.

Conditions:
SLC25A38-related disorder. Also called: SLC25A38-related disorders; SLC25A38-related condition.
Sideroblastic anemia 2. Also called: Anemia, sideroblastic, 2, pyridoxine-refractory. Identifiers: Orphanet 260305, MedGen C4225425, MONDO:0008785, OMIM 205950.

Allele frequency attached by ClinVar (database versions not stated): gnomAD exomes 0.00101; ExAC 0.00106; ESP Exome Variant Server 0.00284; 1000 Genomes Project 30x 0.00328; gnomAD 0.00328 and 0.00344; 1000 Genomes Project 0.00379; TOPMed 0.00391.
gnomAD v4.1: 1,143 of 1,614,178 alleles (0.071%); highest among the groups gnomAD compares: African/African-American, 1.1%; 4 homozygotes.

Submissions (7):

CeGaT Center for Human Genetics Tuebingen
Classification: Likely benign. Last evaluated: 2026-05-01. Review status: criteria provided, single submitter. Criteria: CeGaT Center For Human Genetics Tuebingen Variant Classification Criteria Version 2. Collection method: clinical testing. Allele origin: germline. Affected: yes. Observed: 3 variant alleles.
Comment: SLC25A38: BP4, BS1

Labcorp Genetics (formerly Invitae), Labcorp
Classification: Benign. Last evaluated: 2026-01-27. Review status: criteria provided, single submitter. Criteria: Invitae Variant Classification Sherloc (09022015). Collection method: clinical testing. Allele origin: germline.

Blueprint Genetics
Classification: Likely benign. Last evaluated: 2024-11-08. Review status: criteria provided, single submitter. Criteria: ACMG Guidelines, 2015. Collection method: clinical testing. Allele origin: germline.

GeneDx
Classification: Benign. Last evaluated: 2020-02-07. Review status: criteria provided, single submitter. Criteria: GeneDx Variant Classification Process June 2021. Collection method: clinical testing. Allele origin: germline. Affected: yes.

Illumina Laboratory Services, Illumina
Classification: Likely benign for Sideroblastic anemia 2. Last evaluated: 2018-01-13. Review status: criteria provided, single submitter. Criteria: ICSL Variant Classification Criteria 13 December 2019. Collection method: clinical testing. Allele origin: germline.
Comment: This variant was observed in the ICSL laboratory as part of a predisposition screen in an ostensibly healthy population. It had not been previously curated by ICSL or reported in the Human Gene Mutation Database (HGMD: prior to June 1st, 2018), and was therefore a candidate for classification through an automated scoring system. Utilizing variant allele frequency, disease prevalence and penetrance estimates, and inheritance mode, an automated score was calculated to assess if this variant is too frequent to cause the disease. Based on the score and internal cut-off values, a variant classified as likely benign is not then subjected to further curation. The score for this variant resulted in a classification of likely benign for this disease.

PreventionGenetics, part of Exact Sciences
Classification: Likely benign for SLC25A38-related condition. Last evaluated: 2024-02-28. Review status: no assertion criteria provided. Collection method: clinical testing. Allele origin: germline. Not counted in ClinVar's aggregate classification.
Comment: This variant is classified as likely benign based on ACMG/AMP sequence variant interpretation guidelines (Richards et al. 2015 PMID: 25741868, with internal and published modifications).

Dr. Peter K. Rogan Lab, Western University
No classification provided (evidence only). Condition: Uterine corpus endometrial carcinoma. Review status: no classification provided. Collection method: in vitro. Allele origin: not applicable. Functional consequence: retained intron. Not counted in ClinVar's aggregate classification.

NM_017875.4(SLC25A38):c.196A>G (p.Arg66Gly)

Gene: SLC25A38 (solute carrier family 25 member 38; plus strand). Cytogenetic location: 3p22.1.
Variant type: single nucleotide variant.
Coding change: c.196A>G on transcript NM_017875.4 (MANE Select); coding-DNA position 196, A replaced by G.
Protein change: p.Arg66Gly; replaces arginine 66 with glycine.
Molecular consequence: missense variant.
Genome position (GRCh38, 1-based): chr3:39,390,427, A>G. VCF-style: chr3-39390427-A-G. GRCh37 (hg19) VCF-style: chr3-39431918-A-G.
Other names: c.196A>G, p.Arg66Gly (LRG_1133t1, NM_001354798.2); short protein forms R66G.
Identifiers: ClinVar variation 383031 (VCV000383031.23), dbSNP rs34127778, ClinGen allele CA2327386.